The following is an entry in ClinVar:

ClinVar aggregate classification (germline): Pathogenic/Likely pathogenic. Review status: criteria provided, multiple submitters, no conflicts (2 of 4 stars). 2 submissions from 2 submitters: Pathogenic (1); Likely pathogenic (1). Last evaluated 2025-01-13.

Submissions (2):

Revvity Omics, Revvity
Classification: Likely pathogenic. Last evaluated: 2025-01-13. Review status: criteria provided, single submitter. Criteria: ACMG Guidelines, 2015. Collection method: clinical testing. Allele origin: germline.

Labcorp Genetics (formerly Invitae), Labcorp
Classification: Pathogenic. Last evaluated: 2023-05-09. Review status: criteria provided, single submitter. Criteria: Invitae Variant Classification Sherloc (09022015). Collection method: clinical testing. Allele origin: germline.
Comment: For these reasons, this variant has been classified as Pathogenic. This variant has not been reported in the literature in individuals affected with MYH3-related conditions. This variant is not present in population databases (gnomAD no frequency). This sequence change creates a premature translational stop signal (p.Lys1110Argfs*7) in the MYH3 gene. It is expected to result in an absent or disrupted protein product. Loss-of-function variants in MYH3 are known to be pathogenic (PMID: 29805041, 30008475).

Literature cited by the submitters: PubMed 29805041 (cited by Labcorp Genetics (formerly Invitae), Labcorp); PubMed 30008475 (cited by Labcorp Genetics (formerly Invitae), Labcorp).

NM_002470.4(MYH3):c.3329_3330del (p.Lys1110fs)

Gene: MYH3 (myosin heavy chain 3; minus strand). Cytogenetic location: 17p13.1.
Variant type: Deletion.
Coding change: c.3329_3330del on transcript NM_002470.4 (MANE Select); coding-DNA positions 3329 to 3330, 2 bases deleted (AA; older notation c.3329_3330delAA).
Protein change: p.Lys1110fs; shifts the reading frame from lysine 1110.
Molecular consequence: frameshift variant.
Genome position (GRCh38, 1-based): chr17:10,638,882-10,638,883, TT deleted on the plus strand (AA on the coding strand, the reverse complement: MYH3 is on the minus strand); deleting any 2 consecutive bases within chr17:10,638,882-10,638,884 gives the same sequence; the c. name uses the placement nearest the transcript's 3' end. VCF-style (leftmost placement, unchanged base first): chr17-10638881-CTT-C. GRCh37 (hg19) VCF-style: chr17-10542198-CTT-C.
Other names: short protein forms K1110fs.
Identifiers: ClinVar variation 2859593 (VCV002859593.4), dbSNP rs2508595763, ClinGen allele CA2636109191.